The following is an entry in ClinVar:

NM_001292063.2(OTOG):c.3398C>T (p.Ala1133Val)

Gene: OTOG (otogelin; plus strand). Cytogenetic location: 11p15.1.
Variant type: single nucleotide variant.
Coding change: c.3398C>T on transcript NM_001292063.2 (MANE Select); coding-DNA position 3398, C replaced by T.
Protein change: p.Ala1133Val; replaces alanine 1133 with valine.
Molecular consequence: missense variant.
Genome position (GRCh38, 1-based): chr11:17,594,156, C>T. VCF-style: chr11-17594156-C-T. GRCh37 (hg19) VCF-style: chr11-17615703-C-T.
Other names: c.3434C>T, p.Ala1145Val (NM_001277269.2); short protein forms A1145V, A1133V.
Identifiers: ClinVar variation 505059 (VCV000505059.5), dbSNP rs768393908, ClinGen allele CA5905730.

ClinVar aggregate classification (germline): Likely benign (1 of 4 stars; one submission).

Allele frequency attached by ClinVar (database versions not stated): gnomAD 0.00001 and 0.00002; gnomAD exomes 0.00001 and 0.00003; TOPMed 0.00004; ExAC 0.00012.
gnomAD v4.1: 21 of 1,550,502 alleles (0.0014%); highest among the groups gnomAD compares: South Asian, 0.023%; no homozygotes.

Submission:

Laboratory for Molecular Medicine, Mass General Brigham Personalized Medicine
Classification: Likely benign. Last evaluated: 2016-06-02. Review status: criteria provided, single submitter. Criteria: LMM Criteria. Collection method: clinical testing. Allele origin: germline. Observed: 1 variant allele.
Comment: p.Ala1145Val in exon 27 of OTOG: This variant is not expected to have clinical s ignificance due to a lack of conservation across species, including mammals. Of note, 4 mammals (Rhesus, crab eating macaque, baboon, and green monkey) have a v aline (Val) at this position despite high nearby amino acid conservation. In add ition, it has been identified in 2/7666 South Asian chromosomes by the Exome Agg regation Consortium (ExAC; dbSNP rs768393908).